The following is an entry in ClinVar:

ClinVar aggregate classification (germline): Uncertain significance (1 of 4 stars; one submission).

Conditions:
AFF4-related disorder. Also called: AFF4-related condition.

Submission:

PreventionGenetics, part of Exact Sciences
Classification: Uncertain significance for AFF4-related condition. Last evaluated: 2022-12-22. Review status: criteria provided, single submitter. Criteria: ACMG Guidelines, 2015. Collection method: clinical testing. Allele origin: germline.
Comment: The AFF4 c.625C>A variant is predicted to result in the amino acid substitution p.Arg209Ser. To our knowledge, this variant has not been reported in the literature or in a large population database, indicating this variant is rare. At this time, the clinical significance of this variant is uncertain due to the absence of conclusive functional and genetic evidence.

NM_014423.4(AFF4):c.625C>A (p.Arg209Ser)

Gene: AFF4 (ALF transcription elongation factor 4; minus strand). Cytogenetic location: 5q31.1.
Variant type: single nucleotide variant.
Coding change: c.625C>A on transcript NM_014423.4 (MANE Select); coding-DNA position 625, C replaced by A.
Protein change: p.Arg209Ser; replaces arginine 209 with serine.
Molecular consequence: missense variant.
Genome position (GRCh38, 1-based): chr5:132,934,440, G>T on the plus strand (C>A on the coding strand, the complement: AFF4 is on the minus strand). VCF-style: chr5-132934440-G-T. GRCh37 (hg19) VCF-style: chr5-132270132-G-T.
Other names: short protein forms R209S.
Identifiers: ClinVar variation 2636866 (VCV002636866.1), dbSNP rs776597233, ClinGen allele CA360959439.